The following is an entry in ClinVar:

NM_003107.3(SOX4):c.1352C>T (p.Thr451Met)

Gene: SOX4 (SRY-box transcription factor 4; plus strand). Cytogenetic location: 6p22.3.
Variant type: single nucleotide variant.
Coding change: c.1352C>T on transcript NM_003107.3 (MANE Select); coding-DNA position 1352, C replaced by T.
Protein change: p.Thr451Met; replaces threonine 451 with methionine.
Molecular consequence: missense variant.
Genome position (GRCh38, 1-based): chr6:21,595,886, C>T. VCF-style: chr6-21595886-C-T. GRCh37 (hg19) VCF-style: chr6-21596117-C-T.
Other names: short protein forms T451M.
Identifiers: ClinVar variation 3373334 (VCV003373334.1).
Genomic context (GRCh38, chr6:21,595,886, plus strand): 5'-ACCTGGATTTTAACTTCGAGCCCGGCTCCGGCTCGCACTTCGAGTTCCCGGACTACTGCA[C>T]GCCCGAGGTGAGCGAGATGATCTCGGGAGACTGGCTCGAGTCCAGCATCTCCAACCTGGT-3'
Protein context (NP_003098.1, residues 441-461): GSHFEFPDYC[Thr451Met]PEVSEMISGD

ClinVar aggregate classification (germline): Uncertain significance (1 of 4 stars; one submission).

Submission:

GeneDx
Classification: Uncertain significance. Last evaluated: 2024-05-02. Review status: criteria provided, single submitter. Criteria: GeneDx Variant Classification Process June 2021. Collection method: clinical testing. Allele origin: germline. Affected: yes.
Comment: Not observed at significant frequency in large population cohorts (gnomAD); In silico analysis supports that this missense variant has a deleterious effect on protein structure/function; Has not been previously published as pathogenic or benign to our knowledge